The following is an entry in ClinVar:

ClinVar aggregate classification (germline): Uncertain significance (1 of 4 stars; one submission).

Allele frequency attached by ClinVar (database versions not stated): TOPMed below 0.00001; gnomAD exomes 0.00001.
gnomAD v4.1: 5 of 1,614,134 alleles (0.00031%); highest among the groups gnomAD compares: Non-Finnish European, 0.00042%; no homozygotes.

Submission:

Labcorp Genetics (formerly Invitae), Labcorp
Classification: Uncertain significance. Last evaluated: 2021-12-14. Review status: criteria provided, single submitter. Criteria: Invitae Variant Classification Sherloc (09022015). Collection method: clinical testing. Allele origin: germline.
Comment: This sequence change replaces proline, which is neutral and non-polar, with leucine, which is neutral and non-polar, at codon 393 of the CYP4V2 protein (p.Pro393Leu). This variant is not present in population databases (gnomAD no frequency). This missense change has been observed in individual(s) with Bietti crystallinecorneoretinal dystrophy (PMID: 28051075). Advanced modeling of protein sequence and biophysical properties (such as structural, functional, and spatial information, amino acid conservation, physicochemical variation, residue mobility, and thermodynamic stability) performed at Invitae indicates that this missense variant is expected to disrupt CYP4V2 protein function. In summary, the available evidence is currently insufficient to determine the role of this variant in disease. Therefore, it has been classified as a Variant of Uncertain Significance.

Literature cited by the submitters: PubMed 28051075.

NM_207352.4(CYP4V2):c.1178C>T (p.Pro393Leu)

Gene: CYP4V2 (cytochrome P450 family 4 subfamily V member 2; plus strand). Cytogenetic location: 4q35.2.
Variant type: single nucleotide variant.
Coding change: c.1178C>T on transcript NM_207352.4 (MANE Select); coding-DNA position 1178, C replaced by T.
Protein change: p.Pro393Leu; replaces proline 393 with leucine.
Molecular consequence: missense variant.
Genome position (GRCh38, 1-based): chr4:186,208,952, C>T. VCF-style: chr4-186208952-C-T. GRCh37 (hg19) VCF-style: chr4-187130106-C-T.
Other names: short protein forms P393L.
Identifiers: ClinVar variation 1366341 (VCV001366341.3), dbSNP rs1344497909, ClinGen allele CA358950239.